The following is an entry in ClinVar:

NM_001079866.2(BCS1L):c.526dup (p.Trp176fs)

Gene: BCS1L (BCS1 ubiquinol-cytochrome c reductase complex chaperone; plus strand). Cytogenetic location: 2q35.
Variant type: Duplication.
Coding change: c.526dup on transcript NM_001079866.2 (MANE Select); coding-DNA position 526, one base duplicated (T; older notation c.526dupT).
Protein change: p.Trp176fs; shifts the reading frame from tryptophan 176.
Molecular consequence: frameshift variant. On other transcripts: non-coding transcript variant (1).
Genome position (GRCh38, 1-based): chr2:218,661,824, T duplicated. VCF-style (leftmost placement, unchanged base first): chr2-218661823-A-AT. GRCh37 (hg19) VCF-style: chr2-219526546-A-AT.
Other names: c.526dup, p.Trp176fs (NM_001257342.2, NM_001257343.2, NM_001257344.2 and 10 more transcripts); c.166dup, p.Trp56fs (NM_001318836.2, NM_001371451.1); c.25dup, p.Trp9fs (NM_001371452.1, NM_001371453.1, NM_001371454.1 and 3 more transcripts); short protein forms W176fs, W56fs, W9fs.
Identifiers: ClinVar variation 5014695 (VCV005014695.1).

ClinVar aggregate classification (germline): Pathogenic (1 of 4 stars; one submission).

Conditions:
BCS1L-related disorder. Also called: BCS1L-related condition; BCS1L-related disorders. Identifiers: MedGen CN239240.

Submission:

Myriad Genetics, Inc.
Classification: Pathogenic for BCS1L-related disorder. Last evaluated: 2025-07-07. Review status: criteria provided, single submitter. Criteria: Myriad Autosomal Dominant, Autosomal Recessive and X-Linked Classification Criteria (2023). Collection method: clinical testing. Allele origin: unknown.
Comment: NM_004328.4(BCS1L):c.526dupT(W176Lfs*24) is expected to be pathogenic in the context of BCS1L-related disorders. This variant is predicted to lead to an abnormal or absent protein product due to the creation of a premature termination codon in BCS1L, a gene where loss-of-function variants are known to be pathogenic. Please note: this variant was assessed in the context of healthy population screening.